The following is an entry in ClinVar:

NM_000245.4(MET):c.4046A>G (p.Tyr1349Cys)

Gene: MET (MET proto-oncogene, receptor tyrosine kinase; plus strand). Cytogenetic location: 7q31.2.
Variant type: single nucleotide variant.
Coding change: c.4046A>G on transcript NM_000245.4 (MANE Select); coding-DNA position 4046, A replaced by G.
Protein change: p.Tyr1349Cys; replaces tyrosine 1349 with cysteine.
Molecular consequence: missense variant.
Genome position (GRCh38, 1-based): chr7:116,795,997, A>G. VCF-style: chr7-116795997-A-G. GRCh37 (hg19) VCF-style: chr7-116436051-A-G.
Other names: c.4100A>G, p.Tyr1367Cys (NM_001127500.3); c.2756A>G, p.Tyr919Cys (NM_001324402.2); short protein forms Y919C, Y1349C, Y1367C.
Identifiers: ClinVar variation 1737853 (VCV001737853.3), dbSNP rs2117112070, ClinGen allele CA369118282.

ClinVar aggregate classification (germline): Uncertain significance (1 of 4 stars; one submission).

Conditions:
Hereditary cancer-predisposing syndrome. Also called: Neoplastic Syndromes, Hereditary; Tumor predisposition; Hereditary Cancer Syndrome; Hereditary neoplastic syndrome. Identifiers: Orphanet 140162, MedGen C0027672, MeSH D009386, MONDO:0015356.

Allele frequency attached by ClinVar (database versions not stated): gnomAD exomes below 0.00001.
gnomAD v4.1: 1 of 1,613,998 alleles (0.000062%); highest among the groups gnomAD compares: Non-Finnish European, 0.000085%; no homozygotes.

Submission:

Ambry Genetics
Classification: Uncertain significance for Hereditary cancer-predisposing syndrome. Last evaluated: 2024-05-22. Review status: criteria provided, single submitter. Criteria: Ambry Variant Classification Scheme 2023. Collection method: clinical testing. Allele origin: germline.
Comment: The p.Y1367C variant (also known as c.4100A>G), located in coding exon 20 of the MET gene, results from an A to G substitution at nucleotide position 4100. The tyrosine at codon 1367 is replaced by cysteine, an amino acid with highly dissimilar properties. This amino acid position is highly conserved in available vertebrate species. In addition, this alteration is predicted to be deleterious by in silico analysis. Based on the available evidence, the clinical significance of this variant remains unclear.